The following is an entry in ClinVar:

ClinVar aggregate classification (germline): Uncertain significance (1 of 4 stars; one submission).

gnomAD v4.1: 9 of 1,614,112 alleles (0.00056%); highest among the groups gnomAD compares: South Asian, 0.0011%; no homozygotes.

Submission:

Labcorp Genetics (formerly Invitae), Labcorp
Classification: Uncertain significance. Last evaluated: 2023-09-11. Review status: criteria provided, single submitter. Criteria: Invitae Variant Classification Sherloc (09022015). Collection method: clinical testing. Allele origin: germline.
Comment: This variant has not been reported in the literature in individuals affected with FLNB-related conditions. This variant is present in population databases (no rsID available, gnomAD 0.0009%). This sequence change replaces alanine, which is neutral and non-polar, with threonine, which is neutral and polar, at codon 1276 of the FLNB protein (p.Ala1276Thr). Advanced modeling of protein sequence and biophysical properties (such as structural, functional, and spatial information, amino acid conservation, physicochemical variation, residue mobility, and thermodynamic stability) performed at Invitae indicates that this missense variant is not expected to disrupt FLNB protein function. In summary, the available evidence is currently insufficient to determine the role of this variant in disease. Therefore, it has been classified as a Variant of Uncertain Significance.

NM_001457.4(FLNB):c.3826G>A (p.Ala1276Thr)

Gene: FLNB (filamin B; plus strand). Cytogenetic location: 3p14.3.
Variant type: single nucleotide variant.
Coding change: c.3826G>A on transcript NM_001457.4 (MANE Select); coding-DNA position 3826, G replaced by A.
Protein change: p.Ala1276Thr; replaces alanine 1276 with threonine.
Molecular consequence: missense variant.
Genome position (GRCh38, 1-based): chr3:58,124,433, G>A. VCF-style: chr3-58124433-G-A. GRCh37 (hg19) VCF-style: chr3-58110160-G-A.
Other names: c.3826G>A, p.Ala1276Thr (NM_001164317.2, NM_001164318.2, NM_001164319.2); short protein forms A1276T.
Identifiers: ClinVar variation 2892413 (VCV002892413.3), dbSNP rs199912711, ClinGen allele CA75448515.